The following is an entry in ClinVar:

NM_170707.4(LMNA):c.1864del (p.Val622fs)

Gene: LMNA (lamin A/C; plus strand). Cytogenetic location: 1q22.
Variant type: Deletion.
Coding change: c.1864del on transcript NM_170707.4 (MANE Select); coding-DNA position 1864, one base deleted (G; older notation c.1864delG).
Protein change: p.Val622fs; shifts the reading frame from valine 622.
Molecular consequence: frameshift variant. On other transcripts: intron variant (1).
Genome position (GRCh38, 1-based): chr1:156,138,653, G deleted; the last of 2 consecutive G bases (chr1:156,138,652-156,138,653); deleting either gives the same sequence. VCF-style (leftmost placement, unchanged base first): chr1-156138651-CG-C. GRCh37 (hg19) VCF-style: chr1-156108442-CG-C.
Other names: c.1528del, p.Val510fs (NM_001257374.3, NM_001406989.1); c.1864del, p.Val622fs (NM_001406983.1, NM_001406985.1, NM_001406991.1); c.1621del, p.Val541fs (NM_001406986.1, NM_001406987.1); c.1567del, p.Val523fs (NM_001406988.1); c.1306del, p.Val436fs (NM_001406990.1, NM_001406993.1, NM_001406995.1 and 2 more transcripts); c.1240del, p.Val414fs (NM_001406994.1, NM_001406999.1, NM_001407000.1 and 1 more transcripts); c.1774del, p.Val592fs (NM_170708.4); c.1818+46del (NM_001282626.2); short protein forms V436fs, V523fs, V541fs, V592fs, V622fs, V414fs, V510fs.
Identifiers: ClinVar variation 2850077 (VCV002850077.3), dbSNP rs2528029740, ClinGen allele CA2739275347.

ClinVar aggregate classification (germline): Uncertain significance (1 of 4 stars; one submission).

Conditions:
Charcot-Marie-Tooth disease type 2. Also called: Charcot-Marie-Tooth type 2. Identifiers: Orphanet 64746, MedGen C0270914, MONDO:0018993.

Submission:

Labcorp Genetics (formerly Invitae), Labcorp
Classification: Uncertain significance for Charcot-Marie-Tooth disease type 2. Last evaluated: 2023-03-27. Review status: criteria provided, single submitter. Criteria: Invitae Variant Classification Sherloc (09022015). Collection method: clinical testing. Allele origin: germline.
Comment: In summary, the available evidence is currently insufficient to determine the role of this variant in disease. Therefore, it has been classified as a Variant of Uncertain Significance. This variant disrupts a region of the LMNA protein in which other variant(s) (p.Ser628Gly) have been observed in individuals with LMNA-related conditions (Invitae). This suggests that this is a clinically significant region of the protein, and that variants that disrupt it are likely to be disease-causing. This variant has not been reported in the literature in individuals affected with LMNA-related conditions. This variant is not present in population databases (gnomAD no frequency). This sequence change results in a frameshift in the LMNA gene (p.Val622Serfs*76). While this is not anticipated to result in nonsense mediated decay, it is expected to disrupt the last 43 amino acid(s) of the LMNA protein and extend the protein by 32 additional amino acid residues.